The following is an entry in ClinVar:

ClinVar aggregate classification (germline): Uncertain significance (1 of 4 stars; one submission).

Conditions:
Familial thoracic aortic aneurysm and aortic dissection (TAAD). Also called: Thoracic aortic aneurysms and dissections. Identifiers: Orphanet 91387, MedGen C4707243, MONDO:0019625.

Submission:

Color Diagnostics, LLC DBA Color Health
Classification: Uncertain significance for Familial thoracic aortic aneurysm and aortic dissection. Last evaluated: 2024-03-07. Review status: criteria provided, single submitter. Criteria: ACMG Guidelines, 2015. Collection method: clinical testing. Allele origin: germline.
Comment: This missense variant replaces cysteine with glycine at codon 227 of the SMAD3 protein. Computational prediction suggests that this variant may have deleterious impact on protein structure and function (internally defined REVEL score threshold >= 0.7, PMID: 27666373). Splice site prediction tools suggest that this variant may not impact RNA splicing. To our knowledge, functional studies have not been performed for this variant. This variant has not been reported in individuals affected with cardiovascular disorders in the literature. This variant has not been identified in the general population by the Genome Aggregation Database (gnomAD). The available evidence is insufficient to determine the role of this variant in disease conclusively. Therefore, this variant is classified as a Variant of Uncertain Significance.

NM_005902.4(SMAD3):c.679T>G (p.Cys227Gly)

Gene: SMAD3 (SMAD family member 3; plus strand). Cytogenetic location: 15q22.33.
Variant type: single nucleotide variant.
Coding change: c.679T>G on transcript NM_005902.4 (MANE Select); coding-DNA position 679, T replaced by G.
Protein change: p.Cys227Gly; replaces cysteine 227 with glycine.
Molecular consequence: missense variant.
Genome position (GRCh38, 1-based): chr15:67,181,261, T>G. VCF-style: chr15-67181261-T-G. GRCh37 (hg19) VCF-style: chr15-67473599-T-G.
Other names: c.364T>G, p.Cys122Gly (NM_001145102.2); c.547T>G, p.Cys183Gly (NM_001145103.2); c.94T>G, p.Cys32Gly (NM_001145104.2); short protein forms C227G, C32G, C183G, C122G.
Identifiers: ClinVar variation 922570 (VCV000922570.4), dbSNP rs1963045127, ClinGen allele CA392955864.